The following is an entry in ClinVar:

ClinVar aggregate classification (germline): Likely benign (1 of 4 stars; one submission).

Conditions:
Sessile serrated polyposis cancer syndrome (SSPCS). Identifiers: Orphanet 157798, MedGen C4310714, MONDO:0014919, OMIM 617108.

Submission:

Myriad Genetics, Inc.
Classification: Likely benign for Sessile serrated polyposis cancer syndrome. Last evaluated: 2026-06-26. Review status: criteria provided, single submitter. Criteria: Myriad Autosomal Dominant, Autosomal Recessive and X-Linked Classification Criteria (2023). Collection method: clinical testing. Allele origin: unknown.
Comment: This variant is considered likely benign. This variant is intronic and is not expected to impact mRNA splicing.

NM_017763.6(RNF43):c.376-19C>T

Gene: RNF43 (ring finger protein 43; minus strand). Cytogenetic location: 17q22.
Variant type: single nucleotide variant.
Coding change: c.376-19C>T on transcript NM_017763.6 (MANE Select); 19 bases into the intron before coding-DNA position 376, C replaced by T.
Molecular consequence: intron variant.
Genome position (GRCh38, 1-based): chr17:58,363,619, G>A on the plus strand (C>T on the coding strand, the complement: RNF43 is on the minus strand). VCF-style: chr17-58363619-G-A. GRCh37 (hg19) VCF-style: chr17-56440980-G-A.
Other names: c.376-19C>T (NM_001438822.1, NM_001305544.3, NM_001438820.1 and 1 more transcripts); c.-6-19C>T (NM_001305545.2, NM_001437987.1).
Identifiers: ClinVar variation 4875688 (VCV004875688.1).
Genomic context (GRCh38, chr17:58,363,619, plus strand): 5'-AAAGAGGACAGCACTGGCTCCTCGCTCACCCGCCATCCGAGCCTGCAGAGGCACACAGTA[G>A]AGGTTGGGCTGAGGTCAGGGAAGGACAGAGCCCACCCACAGGCTAGCCTCACCCCTCACA-3'